The following is an entry in ClinVar:

ClinVar aggregate classification (germline): Conflicting classifications of pathogenicity. Review status: criteria provided, conflicting classifications (1 of 4 stars). 2 submissions from 2 submitters: Uncertain significance (1); Benign (1). Last evaluated 2024-10-31.

Conditions:
Hereditary cancer-predisposing syndrome. Also called: Neoplastic Syndromes, Hereditary; Hereditary neoplastic syndrome; Hereditary Cancer Syndrome; Tumor predisposition. Identifiers: Orphanet 140162, MedGen C0027672, MeSH D009386, MONDO:0015356.
Chuvash polycythemia. Also called: POLYCYTHEMIA, VHL-DEPENDENT. Identifiers: Orphanet 238557, MedGen C1837915, MONDO:0009892, OMIM 263400.
Von Hippel-Lindau syndrome (VHLS). Also called: von Hippel–Lindau syndrome; VHL syndrome; Von Hippel-Lindau. Identifiers: Orphanet 892, MedGen C0019562, MONDO:0008667, OMIM 193300. Disease mechanism: loss of function.

Allele frequency attached by ClinVar (database versions not stated): gnomAD exomes below 0.00001.

Submissions (2):

Ambry Genetics
Classification: Benign for Hereditary cancer-predisposing syndrome. Last evaluated: 2024-10-31. Review status: criteria provided, single submitter. Criteria: Ambry Variant Classification Scheme 2023. Collection method: clinical testing. Allele origin: germline.

Labcorp Genetics (formerly Invitae), Labcorp
Classification: Uncertain significance for Von Hippel-Lindau syndrome; Chuvash polycythemia. Last evaluated: 2023-11-30. Review status: criteria provided, single submitter. Criteria: Invitae Variant Classification Sherloc (09022015). Collection method: clinical testing. Allele origin: germline.
Comment: This sequence change replaces proline, which is neutral and non-polar, with leucine, which is neutral and non-polar, at codon 59 of the VHL protein (p.Pro59Leu). This variant is not present in population databases (gnomAD no frequency). This variant has not been reported in the literature in individuals affected with VHL-related conditions. ClinVar contains an entry for this variant (Variation ID: 2167790). Algorithms developed to predict the effect of missense changes on protein structure and function output the following: SIFT: "Not Available"; PolyPhen-2: "Possibly Damaging"; Align-GVGD: "Not Available". The leucine amino acid residue is found in multiple mammalian species, which suggests that this missense change does not adversely affect protein function. In summary, the available evidence is currently insufficient to determine the role of this variant in disease. Therefore, it has been classified as a Variant of Uncertain Significance.

Literature cited by the submitters: PubMed 38969834 (cited by Ambry Genetics).

NM_000551.4(VHL):c.176C>T (p.Pro59Leu)

Gene: VHL (von Hippel-Lindau tumor suppressor; plus strand). Cytogenetic location: 3p25.3.
Variant type: single nucleotide variant.
Coding change: c.176C>T on transcript NM_000551.4 (MANE Select); coding-DNA position 176, C replaced by T.
Protein change: p.Pro59Leu; replaces proline 59 with leucine.
Molecular consequence: missense variant.
Genome position (GRCh38, 1-based): chr3:10,142,023, C>T. VCF-style: chr3-10142023-C-T. GRCh37 (hg19) VCF-style: chr3-10183707-C-T.
Other names: c.176C>T, p.Pro59Leu (NM_001354723.2, NM_198156.3); short protein forms P59L.
Identifiers: ClinVar variation 2167790 (VCV002167790.5), dbSNP rs1696126408, ClinGen allele CA351748662.